The following is an entry in ClinVar:

NM_001039141.3(TRIOBP):c.6778G>A (p.Gly2260Ser)

Gene: TRIOBP (TRIO and F-actin binding protein; plus strand). Cytogenetic location: 22q13.1.
Variant type: single nucleotide variant.
Coding change: c.6778G>A on transcript NM_001039141.3 (MANE Select); coding-DNA position 6778, G replaced by A.
Protein change: p.Gly2260Ser; replaces glycine 2260 with serine.
Molecular consequence: missense variant.
Genome position (GRCh38, 1-based): chr22:37,769,304, G>A. VCF-style: chr22-37769304-G-A. GRCh37 (hg19) VCF-style: chr22-38165311-G-A.
Other names: c.1639G>A, p.Gly547Ser (NM_007032.5); c.6778G>A (NM_001039141.2); short protein forms G2260S, G547S.
Identifiers: ClinVar variation 2419540 (VCV002419540.6), dbSNP rs765357483, ClinGen allele CA10225189.

ClinVar aggregate classification (germline): Uncertain significance. Review status: criteria provided, multiple submitters, no conflicts (2 of 4 stars). 2 submissions from 2 submitters: Uncertain significance (2). Last evaluated 2024-10-15.

Allele frequency attached by ClinVar (database versions not stated): ExAC 0.00001; gnomAD 0.00002; gnomAD exomes 0.00003; TOPMed 0.00003.
gnomAD v4.1: 44 of 1,611,932 alleles (0.0027%); highest among the groups gnomAD compares: Non-Finnish European, 0.0036%; no homozygotes.

Submissions (2):

Labcorp Genetics (formerly Invitae), Labcorp
Classification: Uncertain significance. Last evaluated: 2024-10-15. Review status: criteria provided, single submitter. Criteria: Invitae Variant Classification Sherloc (09022015). Collection method: clinical testing. Allele origin: germline.
Comment: This sequence change replaces glycine, which is neutral and non-polar, with serine, which is neutral and polar, at codon 2260 of the TRIOBP protein (p.Gly2260Ser). This variant is present in population databases (rs765357483, gnomAD 0.007%). This variant has not been reported in the literature in individuals affected with TRIOBP-related conditions. ClinVar contains an entry for this variant (Variation ID: 2419540). An algorithm developed to predict the effect of missense changes on protein structure and function outputs the following: PolyPhen-2: "Benign". The serine amino acid residue is found in multiple mammalian species, which suggests that this missense change does not adversely affect protein function. In summary, the available evidence is currently insufficient to determine the role of this variant in disease. Therefore, it has been classified as a Variant of Uncertain Significance.

GeneDx
Classification: Uncertain significance. Last evaluated: 2024-03-18. Review status: criteria provided, single submitter. Criteria: GeneDx Variant Classification Process June 2021. Collection method: clinical testing. Allele origin: germline. Affected: yes.
Comment: In silico analysis supports that this missense variant does not alter protein structure/function; Has not been previously published as pathogenic or benign to our knowledge